The following is an entry in ClinVar:

ClinVar aggregate classification (germline): Uncertain significance (1 of 4 stars; one submission).

Conditions:
Charcot-Marie-Tooth disease axonal type 2X. Also called: CHARCOT-MARIE-TOOTH DISEASE, AXONAL, AUTOSOMAL RECESSIVE, TYPE 2X; CHARCOT-MARIE-TOOTH NEUROPATHY, TYPE 2X. Identifiers: Orphanet 466775, MedGen C5569024, MONDO:0014726, OMIM 616668.

gnomAD v4.1: 2 of 1,614,166 alleles (0.00012%); highest among the groups gnomAD compares: Admixed American, 0.0017%; no homozygotes.

Submission:

Kariminejad - Najmabadi Pathology & Genetics Center
Classification: Uncertain significance for Charcot-Marie-Tooth disease axonal type 2X. Last evaluated: 2022-08-30. Review status: criteria provided, single submitter. Criteria: ACMG Guidelines, 2015. Collection method: clinical testing. Allele origin: germline. Inheritance: Autosomal recessive inheritance. Affected: yes.
Comment: PM2

NM_025137.4(SPG11):c.4615G>A (p.Gly1539Ser)

Gene: SPG11 (SPG11 vesicle trafficking associated, spatacsin; minus strand). Cytogenetic location: 15q21.1.
Variant type: single nucleotide variant.
Coding change: c.4615G>A on transcript NM_025137.4 (MANE Select); coding-DNA position 4615, G replaced by A.
Protein change: p.Gly1539Ser; replaces glycine 1539 with serine.
Molecular consequence: missense variant.
Genome position (GRCh38, 1-based): chr15:44,595,279, C>T on the plus strand (G>A on the coding strand, the complement: SPG11 is on the minus strand). VCF-style: chr15-44595279-C-T. GRCh37 (hg19) VCF-style: chr15-44887477-C-T.
Other names: c.4615G>A, p.Gly1539Ser (NM_001160227.2, NM_001411132.1); short protein forms G1539S.
Identifiers: ClinVar variation 3897018 (VCV003897018.1).